The following is an entry in ClinVar:

NM_016151.4(TAOK2):c.1146GGAGGAGGAGGAAGA[1] (p.Glu388_Glu392del)

Gene: TAOK2 (TAO kinase 2; plus strand). Cytogenetic location: 16p11.2.
Variant type: Microsatellite.
Coding change: c.1146GGAGGAGGAGGAAGA[1] on transcript NM_016151.4 (MANE Select); one copy of the 15-base unit GGAGGAGGAGGAAGA starting at c.1146; the reference has two copies in a row; one copy, 15 bases deleted.
Protein change: p.Glu388_Glu392del.
Molecular consequence: inframe deletion.
Genome position (GRCh38, 1-based): chr16:29,983,233-29,983,247, GGAGGAGGAGGAAGA deleted; deleting any 15 consecutive bases within chr16:29,983,216-29,983,247 gives the same sequence; the position shown is the placement nearest the transcript's 3' end. VCF-style (leftmost placement, unchanged base first): chr16-29983215-GGAGGAGGAGGAGGAA-G. GRCh37 (hg19) VCF-style: chr16-29994536-GGAGGAGGAGGAGGAA-G.
Other names: c.1146GGAGGAGGAGGAAGA[1], p.Glu388_Glu392del (NM_001252043.2, NM_004783.4).
Identifiers: ClinVar variation 3628100 (VCV003628100.2).

ClinVar aggregate classification (germline): Uncertain significance (1 of 4 stars; one submission).

Submission:

Labcorp Genetics (formerly Invitae), Labcorp
Classification: Uncertain significance. Last evaluated: 2025-10-23. Review status: criteria provided, single submitter. Criteria: Invitae Variant Classification Sherloc (09022015). Collection method: clinical testing. Allele origin: germline.
Comment: This variant, c.1161_1175del, results in the deletion of 5 amino acid(s) of the TAOK2 protein (p.Glu388_Glu392del), but otherwise preserves the integrity of the reading frame. The frequency data for this variant in the population databases is considered unreliable, as metrics indicate poor data quality at this position in the gnomAD database. This variant has not been reported in the literature in individuals affected with TAOK2-related conditions. Experimental studies and prediction algorithms are not available or were not evaluated, and the functional significance of this variant is currently unknown. In summary, the available evidence is currently insufficient to determine the role of this variant in disease. Therefore, it has been classified as a Variant of Uncertain Significance.